The following is an entry in ClinVar:

ClinVar aggregate classification (germline): Pathogenic/Likely pathogenic. Review status: criteria provided, multiple submitters, no conflicts (2 of 4 stars). 6 submissions from 6 submitters: Pathogenic (5); Likely pathogenic (1). Last evaluated 2025-05-22.

Conditions:
Intellectual disability. Also called: Intellectual developmental disorder; Intellectual functioning disability; intellectual disabilities. Identifiers: MedGen C3714756, MeSH D008607, MONDO:0001071, HP:0001249.
Intellectual developmental disorder, X-linked 1. Also called: MENTAL RETARDATION, X-LINKED 18; MENTAL RETARDATION, X-LINKED 78; Atkin Flaitz Patil Smith syndrome; Intellectual disability, X-linked 1. Identifiers: Orphanet 777, MedGen C2931498, MONDO:0010656, OMIM 309530.
Inborn genetic diseases. Identifiers: MedGen C0950123, MeSH D030342.

Allele frequency attached by ClinVar (database versions not stated): gnomAD exomes below 0.00001.
gnomAD v4.1: 1 of 1,211,904 alleles (0.000083%); highest among the groups gnomAD compares: Non-Finnish European, 0.00011%; no homozygotes.

Submissions (6):

Ambry Genetics
Classification: Pathogenic for Inborn genetic diseases. Last evaluated: 2025-05-22. Review status: criteria provided, single submitter. Criteria: Ambry Variant Classification Scheme 2023. Collection method: clinical testing. Allele origin: germline.
Comment: The c.1591C>T (p.R531*) alteration, located in exon 5 (coding exon 5) of the IQSEC2 gene, consists of a C to T substitution at nucleotide position 1591. This changes the amino acid from a arginine (R) to a stop codon at amino acid position 531. This alteration is expected to result in loss of function by premature protein truncation or nonsense-mediated mRNA decay. This variant was not reported in population-based cohorts in the Genome Aggregation Database (gnomAD). This variant was determined to be de novo in at least one individual with features consistent with IQSEC2-related neurodevelopmental disorder (Radley, 2019; Lopergolo, 2021). Based on the available evidence, this alteration is classified as pathogenic.

Labcorp Genetics (formerly Invitae), Labcorp
Classification: Pathogenic for Intellectual developmental disorder, X-linked 1. Last evaluated: 2022-11-10. Review status: criteria provided, single submitter. Criteria: Invitae Variant Classification Sherloc (09022015). Collection method: clinical testing. Allele origin: germline.
Comment: This sequence change creates a premature translational stop signal (p.Arg531*) in the IQSEC2 gene. It is expected to result in an absent or disrupted protein product. Loss-of-function variants in IQSEC2 are known to be pathogenic (PMID: 21686261, 26793055, 27665735). This variant is not present in population databases (gnomAD no frequency). This premature translational stop signal has been observed in individual(s) with clinical features of IQSEC2-related conditions (PMID: 30666632, 33368194). In at least one individual the variant was observed to be de novo. ClinVar contains an entry for this variant (Variation ID: 637967). For these reasons, this variant has been classified as Pathogenic.

GeneDx
Classification: Pathogenic. Last evaluated: 2022-08-02. Review status: criteria provided, single submitter. Criteria: GeneDx Variant Classification Process June 2021. Collection method: clinical testing. Allele origin: germline. Affected: yes.
Comment: Nonsense variant predicted to result in protein truncation or nonsense mediated decay in a gene for which loss of function is a known mechanism of disease; Not observed at significant frequency in large population cohorts (gnomAD); This variant is associated with the following publications: (PMID: 33504798, 30666632, 33368194)

MVZ Martinsried, Medicover Genetics
Classification: Likely pathogenic for Intellectual disability. Last evaluated: 2018-07-03. Review status: criteria provided, single submitter. Criteria: ACMG Guidelines, 2015. Collection method: clinical testing. Allele origin: unknown. Affected: yes.

CeGaT Center for Human Genetics Tuebingen
Classification: Pathogenic. Last evaluated: 2017-12-01. Review status: criteria provided, single submitter. Criteria: CeGaT Center For Human Genetics Tuebingen Variant Classification Criteria Version 2. Collection method: clinical testing. Allele origin: germline. Affected: yes. Observed: 1 variant allele.

Neuberg Centre For Genomic Medicine, NCGM
Classification: Pathogenic for Intellectual developmental disorder, X-linked 1. Review status: criteria provided, single submitter. Criteria: ACMG Guidelines, 2015. Collection method: clinical testing. Allele origin: germline. Inheritance: Autosomal dominant inheritance. Affected: yes.
Comment: The observed stop gained variant c.1591C>T(p.Arg531Ter) in IQSEC2 gene has been reported in heterozygous state in individuals affected with intellectual disability (Radley JA, et al., 2019, Lopergolo D, et al., 2021). The c.1591C>T variant is absent in gnomAD Exomes. This variant has been reported to the ClinVar database as Pathogenic/Likely Pathogenic. This variant is predicted to cause loss of normal protein function through protein truncation. Loss of function variants have been previously reported to be disease causing (Zerem A, et al., 2016). For these reasons, this variant has been classified as Pathogenic.

Literature cited by the submitters: PubMed 30666632 (cited by Ambry Genetics and Labcorp Genetics (formerly Invitae), Labcorp); PubMed 33368194 (cited by Ambry Genetics and Labcorp Genetics (formerly Invitae), Labcorp); PubMed 21686261 (cited by Labcorp Genetics (formerly Invitae), Labcorp); PubMed 26793055 (cited by Labcorp Genetics (formerly Invitae), Labcorp); PubMed 27665735 (cited by Labcorp Genetics (formerly Invitae), Labcorp).

NM_001111125.3(IQSEC2):c.1591C>T (p.Arg531Ter)

Gene: IQSEC2 (IQ motif and Sec7 domain ArfGEF 2; minus strand). Cytogenetic location: Xp11.22.
Variant type: single nucleotide variant.
Coding change: c.1591C>T on transcript NM_001111125.3 (MANE Select); coding-DNA position 1591, C replaced by T.
Protein change: p.Arg531Ter; replaces arginine 531 with a stop codon.
Molecular consequence: nonsense.
Genome position (GRCh38, 1-based): chrX:53,250,985, G>A on the plus strand (C>T on the coding strand, the complement: IQSEC2 is on the minus strand). VCF-style: chrX-53250985-G-A. GRCh37 (hg19) VCF-style: chrX-53280167-G-A.
Other names: c.976C>T, p.Arg326Ter (NM_015075.2); c.1591C>T (NM_001111125.1); short protein forms R531*, R326*.
Identifiers: ClinVar variation 637967 (VCV000637967.52), dbSNP rs1602284689, ClinGen allele CA413165239.
Genomic context (GRCh38, chrX:53,250,985, plus strand): 5'-GAGGGGCTGGCGCCCAGAACTCGGGCCGGCCCTGGGGTGGGGGTTCTGTGCTGGGCAGTC[G>A]CTCAGGGGATTGTTGGGGAACTGTGTCATCCAGGTAGAGGGGAAGATCACTGAAGGATGT-3'